The following is an entry in ClinVar:

NM_001290060.2(SEMA3B):c.1359C>T (p.Asp453=)

Gene: SEMA3B (semaphorin 3B; plus strand). Cytogenetic location: 3p21.31.
Variant type: single nucleotide variant.
Coding change: c.1359C>T on transcript NM_001290060.2 (MANE Select); coding-DNA position 1359, C replaced by T.
Protein change: p.Asp453=; no amino-acid change (aspartic acid 453 retained).
Molecular consequence: synonymous variant. On other transcripts: non-coding transcript variant (1).
Genome position (GRCh38, 1-based): chr3:50,274,844, C>T. VCF-style: chr3-50274844-C-T. GRCh37 (hg19) VCF-style: chr3-50312275-C-T.
Other names: c.1356C>T, p.Asp452= (NM_001005914.3, NM_001435957.1, NM_001435958.1); c.1374C>T, p.Asp458= (NM_001290061.1); c.330C>T, p.Asp110= (NM_001290062.2, NM_001290063.2); c.1359C>T, p.Asp453= (NM_001435956.1, NM_004636.4).
Identifiers: ClinVar variation 4981179 (VCV004981179.1).

ClinVar aggregate classification (germline): Uncertain significance (1 of 4 stars; one submission).

Conditions:
SEMA3B-related disorder. Also called: SEMA3B-related condition.

gnomAD v4.1: 7 of 1,610,738 alleles (0.00043%); highest among the groups gnomAD compares: African/African-American, 0.008%; no homozygotes.

Submission:

PreventionGenetics, part of Exact Sciences
Classification: Uncertain significance for SEMA3B-related condition. Last evaluated: 2026-08-17. Review status: criteria provided, single submitter. Criteria: ACMG Guidelines, 2015. Collection method: clinical testing. Allele origin: germline.
Comment: The SEMA3B c.1374C>T is a noncoding alteration. To our knowledge, this variant has not been reported in the literature. This variant is reported in 0.013% of alleles in individuals of African descent in gnomAD. At this time, the clinical significance of this variant is uncertain due to the absence of conclusive functional and genetic evidence.